The following is an entry in ClinVar:

ClinVar aggregate classification (germline): Uncertain significance (1 of 4 stars; one submission).

Conditions:
Cardiovascular phenotype. Identifiers: MedGen CN230736.

Allele frequency attached by ClinVar (database versions not stated): gnomAD exomes below 0.00001; TOPMed below 0.00001.
gnomAD v4.1: 2 of 1,611,250 alleles (0.00012%); highest among the groups gnomAD compares: South Asian, 0.0011%; no homozygotes.

Submission:

Ambry Genetics
Classification: Uncertain significance for Cardiovascular phenotype. Last evaluated: 2020-06-30. Review status: criteria provided, single submitter. Criteria: Ambry Variant Classification Scheme 2023. Collection method: clinical testing. Allele origin: germline.
Comment: The p.T56A variant (also known as c.166A>G), located in coding exon 1 of the KCND3 gene, results from an A to G substitution at nucleotide position 166. The threonine at codon 56 is replaced by alanine, an amino acid with similar properties. This amino acid position is well conserved in available vertebrate species. In addition, this alteration is predicted to be tolerated by in silico analysis. Since supporting evidence is limited at this time, the clinical significance of this alteration remains unclear.

NM_001378969.1(KCND3):c.166A>G (p.Thr56Ala)

Gene: KCND3 (potassium voltage-gated channel subfamily D member 3; minus strand). Cytogenetic location: 1p13.2.
Variant type: single nucleotide variant.
Coding change: c.166A>G on transcript NM_001378969.1 (MANE Select); coding-DNA position 166, A replaced by G.
Protein change: p.Thr56Ala; replaces threonine 56 with alanine.
Molecular consequence: missense variant.
Genome position (GRCh38, 1-based): chr1:111,982,561, T>C on the plus strand (A>G on the coding strand, the complement: KCND3 is on the minus strand). VCF-style: chr1-111982561-T-C. GRCh37 (hg19) VCF-style: chr1-112525183-T-C.
Other names: c.166A>G, p.Thr56Ala (NM_001378970.1, NM_004980.5, NM_172198.3); short protein forms T56A.
Identifiers: ClinVar variation 1777643 (VCV001777643.2), dbSNP rs1675017825, ClinGen allele CA341822763.